The following is an entry in ClinVar:

NM_001330260.2(SCN8A):c.4789A>G (p.Ile1597Val)

Gene: SCN8A (sodium voltage-gated channel alpha subunit 8; plus strand). Cytogenetic location: 12q13.13.
Variant type: single nucleotide variant.
Coding change: c.4789A>G on transcript NM_001330260.2 (MANE Select); coding-DNA position 4789, A replaced by G.
Protein change: p.Ile1597Val; replaces isoleucine 1597 with valine.
Molecular consequence: missense variant.
Genome position (GRCh38, 1-based): chr12:51,794,635, A>G. VCF-style: chr12-51794635-A-G. GRCh37 (hg19) VCF-style: chr12-52188419-A-G.
Other names: c.4666A>G, p.Ile1556Val (NM_001177984.3, NM_001369788.1); c.4789A>G, p.Ile1597Val (NM_014191.4); short protein forms I1556V, I1597V.
Identifiers: ClinVar variation 3236815 (VCV003236815.1), dbSNP rs2540316108.

ClinVar aggregate classification (germline): Uncertain significance (1 of 4 stars; one submission).

Conditions:
Developmental and epileptic encephalopathy, 13 (DEE13). Also called: Developmental and Epileptic Encephalopathy (SCN8A-DEE); Early infantile epileptic encephalopathy 13; SCN8A-Related Epilepsy. Identifiers: Orphanet 442835, MedGen C3281191, MONDO:0013801, OMIM 614558.

Allele frequency attached by ClinVar (database versions not stated): gnomAD exomes below 0.00001.
gnomAD v4.1: 1 of 1,613,532 alleles (0.000062%); highest among the groups gnomAD compares: Non-Finnish European, 0.000085%; no homozygotes.

Submission:

MVZ Medizinische Genetik Mainz
Classification: Uncertain significance for Developmental and epileptic encephalopathy, 13. Last evaluated: 2023-03-23. Review status: criteria provided, single submitter. Criteria: UK Practice Guidelines For Variant Classification V4 01 2020. Collection method: clinical testing. Allele origin: germline. Inheritance: Autosomal dominant inheritance. Affected: yes. Observed: 1 variant allele.
Comment: ACMG Criteria: BS2, PP3_MOD,PM2_SUP,PP2